The following is an entry in ClinVar:

ClinVar aggregate classification (germline): Pathogenic (1 of 4 stars; one submission).

Conditions:
Inherited distal renal tubular acidosis. Also called: Hereditary Distal Renal Tubular Acidosis. Identifiers: MedGen CN380239, MONDO:1060161.

Submission:

Clinical Genetics and Genomics Laboratory, Noor Shahriyar Hospital
Classification: Pathogenic for Inherited distal renal tubular acidosis. Last evaluated: 2015-05-05. Review status: criteria provided, single submitter. Criteria: ACMG Guidelines, 2015. Collection method: clinical testing. Allele origin: biparental. Affected: yes.
Comment: The NM_000342.4(kAE1):c.1164_1180del, is a nonsense variant in SLC4A1 which is predicted to result in dRTA1 due to a premature stop codon at position 399, and likely results in an absent or disrupted protein product (2015 ACMG guidelines).

Literature cited by the submitters: PubMed 25957428.

NM_000342.4(SLC4A1):c.1164_1180del (p.Arg389fs)

Gene: SLC4A1 (solute carrier family 4 member 1 (Diego blood group); minus strand). Cytogenetic location: 17q21.31.
Variant type: Deletion.
Coding change: c.1164_1180del on transcript NM_000342.4 (MANE Select); coding-DNA positions 1164 to 1180, 17 bases deleted (CCGCTACCCCTATTACC).
Protein change: p.Arg389fs; shifts the reading frame from arginine 389.
Molecular consequence: frameshift variant.
Genome position (GRCh38, 1-based): chr17:44,258,088-44,258,104, GGTAATAGGGGTAGCGG deleted on the plus strand (CCGCTACCCCTATTACC on the coding strand, the reverse complement: SLC4A1 is on the minus strand). VCF-style (leftmost placement, unchanged base first): chr17-44258087-AGGTAATAGGGGTAGCGG-A. GRCh37 (hg19) VCF-style: chr17-42335455-AGGTAATAGGGGTAGCGG-A.
Other names: short protein forms R389fs.
Identifiers: ClinVar variation 4533258 (VCV004533258.1).